The following is an entry in ClinVar:

ClinVar aggregate classification (germline): Likely benign. Review status: criteria provided, single submitter (1 of 4 stars). 2 submissions from 2 submitters: Likely benign (1). 1 of the submissions does not count toward it. Last evaluated 2026-01-19.

Conditions:
BBS7-related disorder. Also called: BBS7-related condition.
Bardet-Biedl syndrome (BBS). Identifiers: Orphanet 110, MedGen C0752166, MONDO:0015229.

gnomAD v4.1: 2 of 1,589,784 alleles (0.00013%); highest among the groups gnomAD compares: African/African-American, 0.0027%; no homozygotes.

Submissions (2):

Labcorp Genetics (formerly Invitae), Labcorp
Classification: Likely benign for Bardet-Biedl syndrome. Last evaluated: 2026-01-19. Review status: criteria provided, single submitter. Criteria: Invitae Variant Classification Sherloc (09022015). Collection method: clinical testing. Allele origin: germline.

PreventionGenetics, part of Exact Sciences
Classification: Likely benign for BBS7-related condition. Last evaluated: 2023-03-16. Review status: no assertion criteria provided. Collection method: clinical testing. Allele origin: germline. Not counted in ClinVar's aggregate classification.
Comment: This variant is classified as likely benign based on ACMG/AMP sequence variant interpretation guidelines (Richards et al. 2015 PMID: 25741868, with internal and published modifications).

NM_176824.3(BBS7):c.2015-4A>G

Gene: BBS7 (Bardet-Biedl syndrome 7; minus strand). Cytogenetic location: 4q27.
Variant type: single nucleotide variant.
Coding change: c.2015-4A>G on transcript NM_176824.3 (MANE Select); 4 bases into the intron before coding-DNA position 2015, A replaced by G.
Molecular consequence: intron variant.
Genome position (GRCh38, 1-based): chr4:121,825,997, T>C on the plus strand (A>G on the coding strand, the complement: BBS7 is on the minus strand). VCF-style: chr4-121825997-T-C. GRCh37 (hg19) VCF-style: chr4-122747152-T-C.
Identifiers: ClinVar variation 3356634 (VCV003356634.2).